The following is an entry in ClinVar:

NM_000540.3(RYR1):c.11031T>A (p.Leu3677=)

Gene: RYR1 (ryanodine receptor 1; plus strand). Cytogenetic location: 19q13.2.
Variant type: single nucleotide variant.
Coding change: c.11031T>A on transcript NM_000540.3 (MANE Select); coding-DNA position 11031, T replaced by A.
Protein change: p.Leu3677=; no amino-acid change (leucine 3677 retained).
Molecular consequence: synonymous variant.
Genome position (GRCh38, 1-based): chr19:38,528,692, T>A. VCF-style: chr19-38528692-T-A. GRCh37 (hg19) VCF-style: chr19-39019332-T-A.
Other names: c.11016T>A, p.Leu3672= (NM_001042723.2).
Identifiers: ClinVar variation 2428450 (VCV002428450.8), dbSNP rs1971593536, ClinGen allele CA507354580.

ClinVar aggregate classification (germline): Likely benign. Review status: criteria provided, multiple submitters, no conflicts (2 of 4 stars). 3 submissions from 3 submitters: Likely benign (3). Last evaluated 2023-06-08.

Conditions:
Malignant hyperthermia, susceptibility to, 1 (MHS1). Also called: Anesthesia related hyperthermia; Malignant hyperpyrexia; Fulminating hyperpyrexia; Pharmacogenic myopathy; Malignant hyperthermia suceptibility 1; RYR1-Related Malignant Hyperthermia Susceptibility. Identifiers: Orphanet 423, MedGen C2930980, MONDO:0007783, OMIM 145600.
RYR1-related disorder. Also called: RYR1-related disorders; RYR1-related condition. Identifiers: MedGen CN239331.

Submissions (3):

All of Us Research Program, National Institutes of Health
Classification: Likely benign for Malignant hyperthermia, susceptibility to, 1. Last evaluated: 2023-06-08. Review status: criteria provided, single submitter. Criteria: ACMG Guidelines, 2015. Collection method: clinical testing. Allele origin: germline. Inheritance: Autosomal dominant inheritance. Observed: 1 variant allele, 1 heterozygote.
Comment: This study involves interpretation of variants in research participants for the purpose of population health screening. Participant phenotype was not available at the time of variant classification. Additional details can be found in publication PMID: 35346344, PMCID: PMC8962531

Color Diagnostics, LLC DBA Color Health
Classification: Likely benign for Malignant hyperthermia, susceptibility to, 1. Last evaluated: 2022-11-06. Review status: criteria provided, single submitter. Criteria: ACMG Guidelines, 2015. Collection method: clinical testing. Allele origin: germline.

Labcorp Genetics (formerly Invitae), Labcorp
Classification: Likely benign for RYR1-related disorder. Last evaluated: 2022-09-13. Review status: criteria provided, single submitter. Criteria: Invitae Variant Classification Sherloc (09022015). Collection method: clinical testing. Allele origin: germline.